The following is an entry in ClinVar:

NM_005120.3(MED12):c.2065C>T (p.Pro689Ser)

Gene: MED12 (mediator complex subunit 12; plus strand). Cytogenetic location: Xq13.1.
Variant type: single nucleotide variant.
Coding change: c.2065C>T on transcript NM_005120.3 (MANE Select); coding-DNA position 2065, C replaced by T.
Protein change: p.Pro689Ser; replaces proline 689 with serine.
Molecular consequence: missense variant.
Genome position (GRCh38, 1-based): chrX:71,124,985, C>T. VCF-style: chrX-71124985-C-T. GRCh37 (hg19) VCF-style: chrX-70344835-C-T.
Other names: short protein forms P689S.
Identifiers: ClinVar variation 5020741 (VCV005020741.1).
Genomic context (GRCh38, chrX:71,124,985, plus strand): 5'-CCTCATCCACTTTCCTTCTTCTCATGTTCTGCTTTCTCACCTTTCTCTCAGTTGTTCTCC[C>T]CTACTATGCCCTGTGAGGGGAAGGGCAGTCCATCCCCTGAGAAGCCAGATGTCGAGAAGG-3'
Protein context (NP_005111.2, residues 679-699): MEKPDFSLFS[Pro689Ser]TMPCEGKGSP

ClinVar aggregate classification (germline): Uncertain significance (1 of 4 stars; one submission).

Submission:

Dasa
Classification: Uncertain significance. Last evaluated: 2026-01-06. Review status: criteria provided, single submitter. Criteria: DASA Assertion Criteria. Collection method: clinical testing. Allele origin: germline.
Comment: NM_005120.3(MED12):c.2065C>T (p.Pro689Ser) is a missense variant that results in the substitution of proline with serine. This variant is rare in population databases. The currently available literature and clinical evidence are not sufficient to establish a definitive association between this variant and the reported condition. Therefore, this variant is classified as a variant of uncertain significance.